The following is an entry in ClinVar:

NM_014141.6(CNTNAP2):c.*5022C>T

Gene: CNTNAP2 (contactin associated protein 2; plus strand). Cytogenetic location: 7q36.1.
Variant type: single nucleotide variant.
Coding change: c.*5022C>T on transcript NM_014141.6 (MANE Select); 5022 bases downstream of the stop codon, C replaced by T.
Molecular consequence: 3 prime UTR variant.
Genome position (GRCh38, 1-based): chr7:148,420,638, C>T. VCF-style: chr7-148420638-C-T. GRCh37 (hg19) VCF-style: chr7-148117730-C-T.
Identifiers: ClinVar variation 909646 (VCV000909646.4), dbSNP rs17171006, ClinGen allele CA168857718.

ClinVar aggregate classification (germline): Benign (1 of 4 stars; one submission).

Conditions:
Cortical dysplasia-focal epilepsy syndrome (PTHSL1). Also called: Pitt-Hopkins-like syndrome 1. Identifiers: Orphanet 163681, Orphanet 221150, MedGen C2750246, MONDO:0012400, OMIM 610042.

Allele frequency attached by ClinVar (database versions not stated): 1000 Genomes Project 30x 0.00921; 1000 Genomes Project 0.01038; TOPMed 0.01824; gnomAD 0.02044 and 0.02086; gnomAD exomes 0.03636.
gnomAD v4.1: 3,095 of 152,540 alleles (2%); highest among the groups gnomAD compares: Non-Finnish European, 2.8%; 40 homozygotes.

Submission:

Illumina Laboratory Services, Illumina
Classification: Benign for Cortical dysplasia-focal epilepsy syndrome. Last evaluated: 2018-01-13. Review status: criteria provided, single submitter. Criteria: ICSL Variant Classification Criteria 13 December 2019. Collection method: clinical testing. Allele origin: germline.
Comment: This variant was observed in the ICSL laboratory as part of a predisposition screen in an ostensibly healthy population. It had not been previously curated by ICSL or reported in the Human Gene Mutation Database (HGMD: prior to June 1st, 2018), and was therefore a candidate for classification through an automated scoring system. Utilizing variant allele frequency, disease prevalence and penetrance estimates, and inheritance mode, an automated score was calculated to assess if this variant is too frequent to cause the disease. Based on the score and internal cut-off values, a variant classified as benign is not then subjected to further curation. The score for this variant resulted in a classification of benign for this disease.